The following is an entry in ClinVar:

NM_001100.4(ACTA1):c.280A>T (p.Asn94Tyr)

Gene: ACTA1 (actin alpha 1, skeletal muscle; minus strand). Cytogenetic location: 1q42.13.
Variant type: single nucleotide variant.
Coding change: c.280A>T on transcript NM_001100.4 (MANE Select); coding-DNA position 280, A replaced by T.
Protein change: p.Asn94Tyr; replaces asparagine 94 with tyrosine.
Molecular consequence: missense variant.
Genome position (GRCh38, 1-based): chr1:229,432,730, T>A on the plus strand (A>T on the coding strand, the complement: ACTA1 is on the minus strand). VCF-style: chr1-229432730-T-A. GRCh37 (hg19) VCF-style: chr1-229568477-T-A.
Other names: short protein forms N94Y.
Identifiers: ClinVar variation 2755663 (VCV002755663.3), dbSNP rs2527439205, ClinGen allele CA345150128.

ClinVar aggregate classification (germline): Pathogenic (1 of 4 stars; one submission).

Conditions:
Actin accumulation myopathy (CMYO2A). Also called: CONGENITAL MYOPATHY 2A, TYPICAL, AUTOSOMAL DOMINANT; Myopathy, actin, congenital, with cores; Nemaline myopathy 3, with intranuclear rods; Nemaline myopathy type 3; Myopathy, actin, congenital, with excess of thin myofilaments. Identifiers: Orphanet 98904, MedGen C3711389, MONDO:0008070, OMIM 161800.

Submission:

Labcorp Genetics (formerly Invitae), Labcorp
Classification: Pathogenic for Actin accumulation myopathy. Last evaluated: 2023-09-15. Review status: criteria provided, single submitter. Criteria: Invitae Variant Classification Sherloc (09022015). Collection method: clinical testing. Allele origin: germline.
Comment: This sequence change replaces asparagine, which is neutral and polar, with tyrosine, which is neutral and polar, at codon 94 of the ACTA1 protein (p.Asn94Tyr). For these reasons, this variant has been classified as Pathogenic. This variant disrupts the p.Asn94 amino acid residue in ACTA1. Other variant(s) that disrupt this residue have been determined to be pathogenic (PMID: 21514153, 28416349). This suggests that this residue is clinically significant, and that variants that disrupt this residue are likely to be disease-causing. Advanced modeling of protein sequence and biophysical properties (such as structural, functional, and spatial information, amino acid conservation, physicochemical variation, residue mobility, and thermodynamic stability) has been performed at Invitae for this missense variant, however the output from this modeling did not meet the statistical confidence thresholds required to predict the impact of this variant on ACTA1 protein function. This missense change has been observed in individual(s) with clinical features of autosomal dominant congenital myopathy (Invitae). In at least one individual the variant was observed to be de novo. This variant is not present in population databases (gnomAD no frequency).

Literature cited by the submitters: PubMed 21514153; PubMed 28416349.